The following is an entry in ClinVar:

NM_001098.3(ACO2):c.1909del (p.Thr637fs)

Genes: ACO2 (aconitase 2; plus strand), POLR3H (RNA polymerase III subunit H; minus strand). Cytogenetic location: 22q13.2.
Variant type: Deletion.
Coding change: c.1909del on transcript NM_001098.3 (MANE Select); coding-DNA position 1909, one base deleted (A; older notation c.1909delA).
Protein change: p.Thr637fs; shifts the reading frame from threonine 637.
Molecular consequence: frameshift variant. On other transcripts: 3 prime UTR variant (5).
Genome position (GRCh38, 1-based): chr22:41,526,409, A deleted. VCF-style (leftmost placement, unchanged base first): chr22-41526408-CA-C. GRCh37 (hg19) VCF-style: chr22-41922412-CA-C.
Other names: c.*2874del (NM_001018050.4, NM_001018052.4, NM_001282884.2 and 2 more transcripts); short protein forms T637fs.
Identifiers: ClinVar variation 2861383 (VCV002861383.3), dbSNP rs2518236588, ClinGen allele CA2739268010.

ClinVar aggregate classification (germline): Pathogenic (1 of 4 stars; one submission).

Submission:

Labcorp Genetics (formerly Invitae), Labcorp
Classification: Pathogenic. Last evaluated: 2023-05-01. Review status: criteria provided, single submitter. Criteria: Invitae Variant Classification Sherloc (09022015). Collection method: clinical testing. Allele origin: germline.
Comment: This variant has not been reported in the literature in individuals affected with ACO2-related conditions. This variant is not present in population databases (gnomAD no frequency). This sequence change creates a premature translational stop signal (p.Thr637Leufs*23) in the ACO2 gene. It is expected to result in an absent or disrupted protein product. Loss-of-function variants in ACO2 are known to be pathogenic (PMID: 30689204, 32519519). For these reasons, this variant has been classified as Pathogenic.

Literature cited by the submitters: PubMed 30689204; PubMed 32519519.